The following is an entry in ClinVar:

ClinVar aggregate classification (germline): Pathogenic. Review status: reviewed by expert panel (3 of 4 stars). 2 submissions from 2 submitters: Pathogenic (1). 1 of the submissions does not count toward it. Last evaluated 2013-09-05.

Conditions:
Lynch syndrome. Identifiers: Orphanet 144, MedGen C4552100, MONDO:0005835. Disease mechanism: loss of function.
Hereditary nonpolyposis colorectal neoplasms. Identifiers: MedGen C0009405, MeSH D003123.

Submissions (2):

International Society for Gastrointestinal Hereditary Tumours (InSiGHT)
Classification: Pathogenic for Lynch Syndrome. Last evaluated: 2013-09-05. Review status: reviewed by expert panel. Criteria: Guidelines v1.9. Collection method: research. Allele origin: germline.
Comment: Coding sequence variation resulting in a stop codon

Classified with v1.9 guidelines

Labcorp Genetics (formerly Invitae), Labcorp
Classification: Pathogenic for Hereditary nonpolyposis colorectal neoplasms. Last evaluated: 2022-07-19. Review status: criteria provided, single submitter. Criteria: Invitae Variant Classification Sherloc (09022015). Collection method: clinical testing. Allele origin: germline. Not counted in ClinVar's aggregate classification.
Comment: For these reasons, this variant has been classified as Pathogenic. Algorithms developed to predict the effect of sequence changes on RNA splicing suggest that this variant may create or strengthen a splice site. ClinVar contains an entry for this variant (Variation ID: 89374). This premature translational stop signal has been observed in individual(s) with Lynch syndrome (PMID: 24072394). This variant is not present in population databases (gnomAD no frequency). This sequence change creates a premature translational stop signal (p.Ile1115Asnfs*4) in the MSH6 gene. It is expected to result in an absent or disrupted protein product. Loss-of-function variants in MSH6 are known to be pathogenic (PMID: 18269114, 24362816).

Literature cited by the submitters: PubMed 24072394 (cited by Labcorp Genetics (formerly Invitae), Labcorp); PubMed 18269114 (cited by Labcorp Genetics (formerly Invitae), Labcorp); PubMed 24362816 (cited by Labcorp Genetics (formerly Invitae), Labcorp).

NM_000179.3(MSH6):c.3341_3342insC (p.Ile1115fs)

Gene: MSH6 (mutS homolog 6; plus strand). Cytogenetic location: 2p16.3.
Variant type: Insertion.
Coding change: c.3341_3342insC on transcript NM_000179.3 (MANE Select); coding-DNA positions 3341 to 3342, C inserted.
Protein change: p.Ile1115fs; shifts the reading frame from isoleucine 1115.
Molecular consequence: frameshift variant.
Genome position: GRCh38 VCF-style: chr2-47803588-T-TC. GRCh37 (hg19) VCF-style: chr2-48030727-T-TC.
Other names: c.2951_2952insC, p.Ile985fs (NM_001281492.2); c.2435_2436insC, p.Ile813fs (NM_001281493.2, NM_001281494.2); short protein forms I985fs, I1115fs, I813fs.
Identifiers: ClinVar variation 89374 (VCV000089374.8), dbSNP rs587779260, ClinGen allele CA012651.